The following is an entry in ClinVar:

NM_001127208.3(TET2):c.1323T>G (p.Ser441Arg)

Genes: TET2 (tet methylcytosine dioxygenase 2; plus strand), TET2-AS1 (TET2 antisense RNA 1; minus strand). Cytogenetic location: 4q24.
Variant type: single nucleotide variant.
Coding change: c.1323T>G on transcript NM_001127208.3 (MANE Select); coding-DNA position 1323, T replaced by G.
Protein change: p.Ser441Arg; replaces serine 441 with arginine.
Molecular consequence: missense variant.
Genome position (GRCh38, 1-based): chr4:105,235,265, T>G. VCF-style: chr4-105235265-T-G. GRCh37 (hg19) VCF-style: chr4-106156422-T-G.
Other names: c.1323T>G, p.Ser441Arg (NM_017628.4); short protein forms S441R.
Identifiers: ClinVar variation 3805860 (VCV003805860.1).

ClinVar aggregate classification (germline): Uncertain significance (1 of 4 stars; one submission).

gnomAD v4.1: 3 of 1,613,816 alleles (0.00019%); highest among the groups gnomAD compares: Non-Finnish European, 0.00025%; no homozygotes.

Submission:

Ambry Genetics
Classification: Uncertain significance. Last evaluated: 2024-12-15. Review status: criteria provided, single submitter. Criteria: Ambry Variant Classification Scheme 2023. Collection method: clinical testing. Allele origin: germline.
Comment: The p.S441R variant (also known as c.1323T>G), located in coding exon 1 of the TET2 gene, results from a T to G substitution at nucleotide position 1323. The serine at codon 441 is replaced by arginine, an amino acid with dissimilar properties. This amino acid position is conserved. In addition, this alteration is predicted to be tolerated by in silico analysis. Based on the available evidence, the clinical significance of this variant remains unclear.